The following is an entry in ClinVar:

NM_000038.6(APC):c.834+5755A>G

Gene: APC (APC regulator of WNT signaling pathway; plus strand). Cytogenetic location: 5q22.2.
Variant type: single nucleotide variant.
Coding change: c.834+5755A>G on transcript NM_000038.6 (MANE Select); 5755 bases into the intron after coding-DNA position 834, A replaced by G.
Molecular consequence: intron variant.
Genome position (GRCh38, 1-based): chr5:112,807,138, A>G. VCF-style: chr5-112807138-A-G. GRCh37 (hg19) VCF-style: chr5-112142835-A-G.
Other names: c.834+5755A>G (NM_001354895.2, NM_001127510.3, NM_001354896.2 and 1 more transcripts); c.864+5755A>G (NM_001354897.2, NM_001354902.2); c.780+5755A>G (NM_001127511.3); c.759+5755A>G (NM_001354898.2, NM_001354904.2); c.-201-2988A>G (NM_001354906.2); c.750+5755A>G (NM_001354899.2); c.657+5755A>G (NM_001354900.2, NM_001354901.2, NM_001354905.2).
Identifiers: ClinVar variation 82529 (VCV000082529.2), dbSNP rs77111315, ClinGen allele CA014942.
Genomic context (GRCh38, chr5:112,807,138, plus strand): 5'-AGTTGAGATTGTACCACTGCACTCTAGCCTGGGTGACAGAGCAAGACTCTATCTCAAGGA[A>G]AAAAAAAAAAAAAACGTAAAACCAAAGTGCTGGAACTACAGGCGTGCACCACCATGCCCA-3'

ClinVar aggregate classification (germline): other (0 of 4 stars; one submission).

Conditions:
Familial colorectal cancer. Identifiers: MedGen CN280943, MONDO:0023113. Disease mechanism: loss of function.

Submission:

Systems Biology Platform Zhejiang California International NanoSystems Institute
Classification: other for Familial colorectal cancer. Review status: no assertion criteria provided. Collection method: not provided. Allele origin: unknown.
ClinVar note: Converted during submission from cancer to other.